The following is an entry in ClinVar:

ClinVar aggregate classification (germline): Likely pathogenic. Review status: criteria provided, multiple submitters, no conflicts (2 of 4 stars). 2 submissions from 2 submitters: Likely pathogenic (2). Last evaluated 2023-07-25.

Conditions:
Bone mineral density quantitative trait locus 18 (BMND18). Also called: Bone mineral density QTL18, osteoporosis; OSTEOPOROSIS AND OSTEOPOROTIC FRACTURES, SUSCEPTIBILITY TO. Identifiers: Orphanet 391330, MedGen C3806712, OMIM 300910.

Submissions (2):

Labcorp Genetics (formerly Invitae), Labcorp
Classification: Likely pathogenic. Last evaluated: 2023-07-25. Review status: criteria provided, single submitter. Criteria: Invitae Variant Classification Sherloc (09022015). Collection method: clinical testing. Allele origin: germline.
Comment: This variant results in the deletion of part of exon 3 (c.234_237+10del) of the PLS3 gene. It is expected to disrupt RNA splicing. Variants that disrupt the donor or acceptor splice site typically lead to a loss of protein function (PMID: 16199547), and loss-of-function variants in PLS3 are known to be pathogenic (PMID: 24088043, 30405713, 33166085). This variant is present in population databases (rs781875935, gnomAD 0.008%). This variant has not been reported in the literature in individuals affected with PLS3-related conditions. ClinVar contains an entry for this variant (Variation ID: 1483639). Algorithms developed to predict the effect of sequence changes on RNA splicing suggest that this variant may disrupt the consensus splice site. In summary, the currently available evidence indicates that the variant is pathogenic, but additional data are needed to prove that conclusively. Therefore, this variant has been classified as Likely Pathogenic.

Baylor Genetics
Classification: Likely pathogenic for Bone mineral density quantitative trait locus 18. Last evaluated: 2022-10-07. Review status: criteria provided, single submitter. Criteria: ACMG Guidelines, 2015. Collection method: clinical testing. Allele origin: unknown.

Literature cited by the submitters: PubMed 16199547 (cited by Labcorp Genetics (formerly Invitae), Labcorp); PubMed 24088043 (cited by Labcorp Genetics (formerly Invitae), Labcorp); PubMed 30405713 (cited by Labcorp Genetics (formerly Invitae), Labcorp); PubMed 33166085 (cited by Labcorp Genetics (formerly Invitae), Labcorp).

NM_005032.7(PLS3):c.234_237+10del

Gene: PLS3 (plastin 3; plus strand). Cytogenetic location: Xq23.
Variant type: Deletion.
Coding change: c.234_237+10del on transcript NM_005032.7 (MANE Select); coding-DNA position 234 through 10 bases into the intron after coding-DNA position 237, 14 bases deleted (TTATGTAAGTATGT).
Molecular consequence: splice donor variant. On other transcripts: intron variant (1).
Genome position (GRCh38, 1-based): chrX:115,622,406-115,622,419, TTATGTAAGTATGT deleted; deleting any 14 consecutive bases within chrX:115,622,403-115,622,419 gives the same sequence; the c. name uses the placement nearest the transcript's 3' end. VCF-style (leftmost placement, unchanged base first): chrX-115622402-TTGTTTATGTAAGTA-T. GRCh37 (hg19) VCF-style: chrX-114856714-TTGTTTATGTAAGTA-T.
Other names: c.168_171+10del (NM_001282337.2); c.99_102+10del (NM_001282338.2); c.234_237+10del (NM_001136025.5); c.156+78_156+91del (NM_001172335.3).
Identifiers: ClinVar variation 1483639 (VCV001483639.7), dbSNP rs781875935, ClinGen allele CA10496845.